The following is an entry in ClinVar:

ClinVar aggregate classification (germline): Pathogenic (1 of 4 stars; one submission).

Conditions:
Multiple sulfatase deficiency (MSD). Also called: Mucosulfatidosis; Multiple Sulfatase Deficiency Disease; Sulfatidosis, Juvenile, Austin Type. Identifiers: Orphanet 585, MedGen C0268263, MONDO:0010088, OMIM 272200.

Allele frequency attached by ClinVar (database versions not stated): gnomAD exomes below 0.00001.
gnomAD v4.1: 1 of 1,614,010 alleles (0.000062%); highest among the groups gnomAD compares: Non-Finnish European, 0.000085%; no homozygotes.

Submission:

Labcorp Genetics (formerly Invitae), Labcorp
Classification: Pathogenic for Multiple sulfatase deficiency. Last evaluated: 2023-06-25. Review status: criteria provided, single submitter. Criteria: Invitae Variant Classification Sherloc (09022015). Collection method: clinical testing. Allele origin: germline.
Comment: This variant is present in population databases (no rsID available, gnomAD 0.0009%). This sequence change creates a premature translational stop signal (p.Trp180*) in the SUMF1 gene. It is expected to result in an absent or disrupted protein product. Loss-of-function variants in SUMF1 are known to be pathogenic (PMID: 12757705, 12757706, 25885655). This variant has not been reported in the literature in individuals affected with SUMF1-related conditions. ClinVar contains an entry for this variant (Variation ID: 1453143). Algorithms developed to predict the effect of sequence changes on RNA splicing suggest that this variant may disrupt the consensus splice site. For these reasons, this variant has been classified as Pathogenic.

Literature cited by the submitters: PubMed 12757705; PubMed 12757706; PubMed 25885655.

NM_182760.4(SUMF1):c.539G>A (p.Trp180Ter)

Gene: SUMF1 (sulfatase modifying factor 1; minus strand). Cytogenetic location: 3p26.1.
Variant type: single nucleotide variant.
Coding change: c.539G>A on transcript NM_182760.4 (MANE Select); coding-DNA position 539, G replaced by A.
Protein change: p.Trp180Ter; replaces tryptophan 180 with a stop codon.
Molecular consequence: nonsense.
Genome position (GRCh38, 1-based): chr3:4,420,127, C>T on the plus strand (G>A on the coding strand, the complement: SUMF1 is on the minus strand). VCF-style: chr3-4420127-C-T. GRCh37 (hg19) VCF-style: chr3-4461811-C-T.
Other names: c.464G>A, p.Trp155Ter (NM_001164674.2); c.539G>A, p.Trp180Ter (NM_001164675.2); short protein forms W180*, W155*.
Identifiers: ClinVar variation 1453143 (VCV001453143.6), dbSNP rs1419925001, ClinGen allele CA351632994.